The following is an entry in ClinVar:

NM_182961.4(SYNE1):c.22902G>A (p.Ser7634=)

Gene: SYNE1 (spectrin repeat containing nuclear envelope protein 1; minus strand). Cytogenetic location: 6q25.2.
Variant type: single nucleotide variant.
Coding change: c.22902G>A on transcript NM_182961.4 (MANE Select); coding-DNA position 22902, G replaced by A.
Protein change: p.Ser7634=; no amino-acid change (serine 7634 retained).
Molecular consequence: synonymous variant.
Genome position (GRCh38, 1-based): chr6:152,206,285, C>T on the plus strand (G>A on the coding strand, the complement: SYNE1 is on the minus strand). VCF-style: chr6-152206285-C-T. GRCh37 (hg19) VCF-style: chr6-152527420-C-T.
Other names: c.22689G>A, p.Ser7563= (NM_033071.5).
Identifiers: ClinVar variation 283301 (VCV000283301.17), dbSNP rs140577642, ClinGen allele CA4053763.

ClinVar aggregate classification (germline): Conflicting classifications of pathogenicity. Review status: criteria provided, conflicting classifications (1 of 4 stars). 3 submissions from 3 submitters: Uncertain significance (1); Likely benign (2). Last evaluated 2026-05-01.

Conditions:
Autosomal recessive ataxia, Beauce type. Also called: ATAXIA, RECESSIVE, OF BEAUCE; Spinocerebellar ataxia, autosomal recessive 8; SYNE1-Related Autosomal Recessive Cerebellar Ataxia; SYNE1 Deficiency. Identifiers: Orphanet 88644, MedGen C1853116, MONDO:0012549, OMIM 610743.
Emery-Dreifuss muscular dystrophy 4, autosomal dominant (EDMD4). Also called: EMERY-DREIFUSS MUSCULAR DYSTROPHY 4 WITH VARIABLE FEATURES. Identifiers: Orphanet 261, MedGen C2751807, MONDO:0013071, OMIM 612998.

Allele frequency attached by ClinVar (database versions not stated): gnomAD 0.00005 and 0.00006; ESP Exome Variant Server 0.00008; TOPMed 0.00009; ExAC 0.00012.
gnomAD v4.1: 147 of 1,613,868 alleles (0.0091%); highest among the groups gnomAD compares: Admixed American, 0.048%; no homozygotes.

Submissions (3):

CeGaT Center for Human Genetics Tuebingen
Classification: Likely benign. Last evaluated: 2026-05-01. Review status: criteria provided, single submitter. Criteria: CeGaT Center For Human Genetics Tuebingen Variant Classification Criteria Version 2. Collection method: clinical testing. Allele origin: germline. Affected: yes. Observed: 1 variant allele.
Comment: SYNE1: BP4, BP7

Labcorp Genetics (formerly Invitae), Labcorp
Classification: Likely benign for Emery-Dreifuss muscular dystrophy 4, autosomal dominant; Autosomal recessive ataxia, Beauce type. Last evaluated: 2025-12-15. Review status: criteria provided, single submitter. Criteria: Invitae Variant Classification Sherloc (09022015). Collection method: clinical testing. Allele origin: germline.

Eurofins Ntd Llc (ga)
Classification: Uncertain significance. Last evaluated: 2015-09-10. Review status: criteria provided, single submitter. Criteria: EGL Classification Definitions 2015. Collection method: clinical testing. Allele origin: germline. Observed: 1 variant allele, 1 heterozygote.